The following is an entry in ClinVar:

ClinVar aggregate classification (germline): Uncertain significance (1 of 4 stars; one submission).

Conditions:
Hereditary cancer-predisposing syndrome. Also called: Tumor predisposition; Neoplastic Syndromes, Hereditary; Hereditary Cancer Syndrome; Hereditary neoplastic syndrome. Identifiers: Orphanet 140162, MedGen C0027672, MeSH D009386, MONDO:0015356.

Submission:

Ambry Genetics
Classification: Uncertain significance for Hereditary cancer-predisposing syndrome. Last evaluated: 2025-01-23. Review status: criteria provided, single submitter. Criteria: Ambry Variant Classification Scheme 2023. Collection method: clinical testing. Allele origin: germline.
Comment: The p.A274G variant (also known as c.821C>G), located in coding exon 3 of the PHOX2B gene, results from a C to G substitution at nucleotide position 821. The alanine at codon 274 is replaced by glycine, an amino acid with similar properties. This amino acid position is conserved. In addition, this alteration is predicted to be tolerated by in silico analysis. Based on the available evidence, the clinical significance of this variant remains unclear.

NM_003924.4(PHOX2B):c.821C>G (p.Ala274Gly)

Gene: PHOX2B (paired like homeobox 2B; minus strand). Cytogenetic location: 4p13.
Variant type: single nucleotide variant.
Coding change: c.821C>G on transcript NM_003924.4 (MANE Select); coding-DNA position 821, C replaced by G.
Protein change: p.Ala274Gly; replaces alanine 274 with glycine.
Molecular consequence: missense variant.
Genome position (GRCh38, 1-based): chr4:41,745,931, G>C on the plus strand (C>G on the coding strand, the complement: PHOX2B is on the minus strand). VCF-style: chr4-41745931-G-C. GRCh37 (hg19) VCF-style: chr4-41747948-G-C.
Other names: short protein forms A274G.
Identifiers: ClinVar variation 3888478 (VCV003888478.1).